The following is an entry in ClinVar:

ClinVar aggregate classification (germline): Likely pathogenic (1 of 4 stars; one submission).

Allele frequency attached by ClinVar (database versions not stated): gnomAD exomes below 0.00001; ExAC 0.00001.
gnomAD v4.1: 1 of 1,588,668 alleles (0.000063%); highest among the groups gnomAD compares: East Asian, 0.0022%; no homozygotes.

Submission:

Labcorp Genetics (formerly Invitae), Labcorp
Classification: Likely pathogenic. Last evaluated: 2022-12-31. Review status: criteria provided, single submitter. Criteria: Invitae Variant Classification Sherloc (09022015). Collection method: clinical testing. Allele origin: germline.
Comment: This variant is present in population databases (rs773370487, gnomAD 0.006%). This variant has not been reported in the literature in individuals affected with POLR3A-related conditions. Algorithms developed to predict the effect of sequence changes on RNA splicing suggest that this variant may disrupt the consensus splice site. In summary, the currently available evidence indicates that the variant is pathogenic, but additional data are needed to prove that conclusively. Therefore, this variant has been classified as Likely Pathogenic. This sequence change affects a donor splice site in intron 25 of the POLR3A gene. It is expected to disrupt RNA splicing. Variants that disrupt the donor or acceptor splice site typically lead to a loss of protein function (PMID: 16199547), and loss-of-function variants in POLR3A are known to be pathogenic (PMID: 21855841, 25339210, 27612211, 30414627, 30450527).

Literature cited by the submitters: PubMed 16199547; PubMed 21855841; PubMed 25339210; PubMed 27612211; PubMed 30414627; PubMed 30450527.

NM_007055.4(POLR3A):c.3336+1G>A

Genes: POLR3A (RNA polymerase III subunit A; minus strand), LOC126860970 (BRD4-independent group 4 enhancer GRCh37_chr10:79743812-79745011; plus strand). Cytogenetic location: 10q22.3.
Variant type: single nucleotide variant.
Coding change: c.3336+1G>A on transcript NM_007055.4 (MANE Select); the canonical splice donor site of the intron after coding-DNA position 3336, G replaced by A.
Molecular consequence: splice donor variant.
Genome position (GRCh38, 1-based): chr10:77,984,204, C>T on the plus strand (G>A on the coding strand, the complement: POLR3A is on the minus strand). VCF-style: chr10-77984204-C-T. GRCh37 (hg19) VCF-style: chr10-79743962-C-T.
Identifiers: ClinVar variation 2794302 (VCV002794302.3), dbSNP rs773370487, ClinGen allele CA5570876.